The following is an entry in ClinVar:

ClinVar aggregate classification (germline): Benign. Review status: criteria provided, multiple submitters, no conflicts (2 of 4 stars). 5 submissions from 5 submitters: Benign (4). 1 of the submissions does not count toward it. Last evaluated 2026-02-03.

Conditions:
YME1L1-related disorder. Also called: YME1L1-related condition.

Allele frequency attached by ClinVar (database versions not stated): 1000 Genomes Project 30x 0.03904; 1000 Genomes Project 0.03934; gnomAD exomes 0.04178 and 0.04708; ExAC 0.05108; TOPMed 0.05151; gnomAD 0.05225 and 0.05375; ESP Exome Variant Server 0.05236.
gnomAD v4.1: 73,801 of 1,552,624 alleles (4.8%); highest among the groups gnomAD compares: African/African-American, 6.9%; 1,885 homozygotes.

Submissions (5):

Labcorp Genetics (formerly Invitae), Labcorp
Classification: Benign. Last evaluated: 2026-02-03. Review status: criteria provided, single submitter. Criteria: Invitae Variant Classification Sherloc (09022015). Collection method: clinical testing. Allele origin: germline.

Blueprint Genetics
Classification: Benign. Last evaluated: 2024-11-27. Review status: criteria provided, single submitter. Criteria: ACMG Guidelines, 2015. Collection method: clinical testing. Allele origin: germline.

GeneDx
Classification: Benign. Last evaluated: 2021-05-05. Review status: criteria provided, single submitter. Criteria: GeneDx Variant Classification Process June 2021. Collection method: clinical testing. Allele origin: germline. Affected: yes.

Breakthrough Genomics
Classification: Benign. Review status: criteria provided, single submitter. Criteria: ACMG Guidelines, 2015. Collection method: not provided. Allele origin: germline. Inheritance: Autosomal recessive inheritance. Affected: yes.

PreventionGenetics, part of Exact Sciences
Classification: Benign for YME1L1-related condition. Last evaluated: 2024-04-15. Review status: no assertion criteria provided. Collection method: clinical testing. Allele origin: germline. Not counted in ClinVar's aggregate classification.
Comment: This variant is classified as benign based on ACMG/AMP sequence variant interpretation guidelines (Richards et al. 2015 PMID: 25741868, with internal and published modifications).

NM_014263.4(YME1L1):c.168+1269A>G

Gene: YME1L1 (YME1 like 1 ATPase; minus strand). Cytogenetic location: 10p12.1.
Variant type: single nucleotide variant.
Coding change: c.168+1269A>G on transcript NM_014263.4 (MANE Select); 1269 bases into the intron after coding-DNA position 168, A replaced by G.
Molecular consequence: intron variant. On other transcripts: missense variant (1).
Genome position (GRCh38, 1-based): chr10:27,147,637, T>C on the plus strand (A>G on the coding strand, the complement: YME1L1 is on the minus strand). VCF-style: chr10-27147637-T-C. GRCh37 (hg19) VCF-style: chr10-27436566-T-C.
Other names: c.200A>G, p.Asn67Ser (NM_139312.3); c.168+1269A>G (NM_001253866.2); short protein forms N67S.
Identifiers: ClinVar variation 1225456 (VCV001225456.15), dbSNP rs62622019, ClinGen allele CA5449729.